The following is an entry in ClinVar:

ClinVar aggregate classification (germline): Uncertain significance. Review status: criteria provided, multiple submitters, no conflicts (2 of 4 stars). 2 submissions from 2 submitters: Uncertain significance (2). Last evaluated 2025-08-27.

Conditions:
Acute myeloid leukemia (AML). Also called: Acute myeloid leukemia, adult; AML adult; Acute non-lymphocytic leukemia; Acute granulocytic leukemia; Leukemia, acute myeloid, somatic; Leukemia, acute myelogenous, somatic. Identifiers: Orphanet 519, MedGen C0023467, MeSH D015470, MONDO:0018874, OMIM 601626, HP:0004808. Disease mechanism: Constitutively activated FLT3.
Inborn genetic diseases. Identifiers: MedGen C0950123, MeSH D030342.

Submissions (2):

Ambry Genetics
Classification: Uncertain significance for Inborn genetic diseases. Last evaluated: 2025-08-27. Review status: criteria provided, single submitter. Criteria: Ambry Variant Classification Scheme 2023. Collection method: clinical testing. Allele origin: germline.

Labcorp Genetics (formerly Invitae), Labcorp
Classification: Uncertain significance for Acute myeloid leukemia. Last evaluated: 2023-10-18. Review status: criteria provided, single submitter. Criteria: Invitae Variant Classification Sherloc (09022015). Collection method: clinical testing. Allele origin: germline.
Comment: This sequence change replaces arginine, which is basic and polar, with histidine, which is basic and polar, at codon 149 of the CEBPA protein (p.Arg149His). The frequency data for this variant in the population databases is considered unreliable, as metrics indicate insufficient coverage at this position in the gnomAD database. This variant has not been reported in the literature in individuals affected with CEBPA-related conditions. Advanced modeling of protein sequence and biophysical properties (such as structural, functional, and spatial information, amino acid conservation, physicochemical variation, residue mobility, and thermodynamic stability) performed at Invitae indicates that this missense variant is not expected to disrupt CEBPA protein function. In summary, the available evidence is currently insufficient to determine the role of this variant in disease. Therefore, it has been classified as a Variant of Uncertain Significance.

NM_004364.5(CEBPA):c.446G>A (p.Arg149His)

Gene: CEBPA (CCAAT enhancer binding protein alpha; minus strand). Cytogenetic location: 19q13.11.
Variant type: single nucleotide variant.
Coding change: c.446G>A on transcript NM_004364.5 (MANE Select); coding-DNA position 446, G replaced by A.
Protein change: p.Arg149His; replaces arginine 149 with histidine.
Molecular consequence: missense variant.
Genome position (GRCh38, 1-based): chr19:33,301,969, C>T on the plus strand (G>A on the coding strand, the complement: CEBPA is on the minus strand). VCF-style: chr19-33301969-C-T. GRCh37 (hg19) VCF-style: chr19-33792875-C-T.
Other names: c.89G>A, p.Arg30His (NM_001285829.2); c.551G>A, p.Arg184His (NM_001287424.2); c.404G>A, p.Arg135His (NM_001287435.2); short protein forms R135H, R149H, R30H, R184H.
Identifiers: ClinVar variation 3018210 (VCV003018210.4), dbSNP rs2513331403, ClinGen allele CA405274934.